The following is an entry in ClinVar:

ClinVar aggregate classification (germline): Uncertain significance (1 of 4 stars; one submission).

Submission:

GeneDx
Classification: Uncertain significance. Last evaluated: 2026-01-29. Review status: criteria provided, single submitter. Criteria: GeneDx Variant Classification Process June 2021. Collection method: clinical testing. Allele origin: germline.
Comment: Not observed at significant frequency in large population cohorts (gnomAD); In-frame duplication of 1 amino acid(s) in a non-repeat region; Has not been previously published as pathogenic or benign to our knowledge

NM_005859.5(PURA):c.385CCG[3] (p.Pro130_Asp131insPro)

Genes: PURA (purine rich element binding protein A; plus strand), LOC129994826 (ATAC-STARR-seq lymphoblastoid active region 23260; plus strand). Cytogenetic location: 5q31.3.
Variant type: Microsatellite.
Coding change: c.385CCG[3] on transcript NM_005859.5 (MANE Select); three copies in a row of the 3-base unit CCG starting at c.385; the reference has two copies in a row; one copy, 3 bases duplicated; also written c.388_390dup.
Protein change: p.Pro130_Asp131insPro.
Molecular consequence: inframe insertion. On other transcripts: inframe indel (2).
Genome position (GRCh38, 1-based): chr5:140,114,569-140,114,571, CCG duplicated; duplicating any 3 consecutive bases within chr5:140,114,565-140,114,571 gives the same sequence; the position shown is the placement nearest the transcript's 3' end. VCF-style (leftmost placement, unchanged base first): chr5-140114564-A-AGCC. GRCh37 (hg19) VCF-style: chr5-139494149-A-AGCC.
Other names: c.385_387CCG[3], p.Pro130_Asp131insPro (NM_005859.4); c.388_390dup (NM_005859.4).
Identifiers: ClinVar variation 4975718 (VCV004975718.1).